The following is an entry in ClinVar:

NM_004484.4(GPC3):c.1240C>T (p.Pro414Ser)

Gene: GPC3 (glypican 3; minus strand). Cytogenetic location: Xq26.2.
Variant type: single nucleotide variant.
Coding change: c.1240C>T on transcript NM_004484.4 (MANE Select); coding-DNA position 1240, C replaced by T.
Protein change: p.Pro414Ser; replaces proline 414 with serine.
Molecular consequence: missense variant.
Genome position (GRCh38, 1-based): chrX:133,692,421, G>A on the plus strand (C>T on the coding strand, the complement: GPC3 is on the minus strand). VCF-style: chrX-133692421-G-A. GRCh37 (hg19) VCF-style: chrX-132826449-G-A.
Other names: c.1309C>T, p.Pro437Ser (NM_001164617.2); c.1192C>T, p.Pro398Ser (NM_001164618.2); c.1078C>T, p.Pro360Ser (NM_001164619.2); short protein forms P360S, P398S, P414S, P437S.
Identifiers: ClinVar variation 1051252 (VCV001051252.9), dbSNP rs2071073330, ClinGen allele CA414705493.

ClinVar aggregate classification (germline): Uncertain significance (1 of 4 stars; one submission).

Conditions:
Wilms tumor 1 (WT1). Also called: Wilms tumor, somatic. Identifiers: Orphanet 654, MedGen CN033288, MONDO:0008679, OMIM 194070.

Allele frequency attached by ClinVar (database versions not stated): TOPMed below 0.00001.

Submission:

Labcorp Genetics (formerly Invitae), Labcorp
Classification: Uncertain significance for Wilms tumor 1. Last evaluated: 2020-01-23. Review status: criteria provided, single submitter. Criteria: Invitae Variant Classification Sherloc (09022015). Collection method: clinical testing. Allele origin: germline.
Comment: In summary, the available evidence is currently insufficient to determine the role of this variant in disease. Therefore, it has been classified as a Variant of Uncertain Significance. Algorithms developed to predict the effect of missense changes on protein structure and function (SIFT, PolyPhen-2, Align-GVGD) all suggest that this variant is likely to be tolerated, but these predictions have not been confirmed by published functional studies and their clinical significance is uncertain. This variant has not been reported in the literature in individuals with GPC3-related conditions. This variant is not present in population databases (ExAC no frequency). This sequence change replaces proline with serine at codon 414 of the GPC3 protein (p.Pro414Ser). The proline residue is moderately conserved and there is a moderate physicochemical difference between proline and serine.